The following is an entry in ClinVar:

NC_000008.10:g.(?_90955471)_(90976745_?)del

Gene: NBN (nibrin; minus strand). Cytogenetic location: 8q21.3.
Variant type: Deletion.
Identifiers: ClinVar variation 1072539 (VCV001072539.6).

ClinVar aggregate classification (germline): Pathogenic (1 of 4 stars; one submission).

Conditions:
Microcephaly, normal intelligence and immunodeficiency (NBS). Also called: Microcephaly with normal intelligence immunodeficiency and lymphoreticular malignancies; Nonsyndromal microcephaly autosomal recessive with normal intelligence; Seemanova syndrome 2; SEEMANOVA SYNDROME II; BERLIN BREAKAGE SYNDROME; Immunodeficiency, microcephaly with normal intelligence. Identifiers: Orphanet 647, MedGen C0398791, MONDO:0009623, OMIM 251260.

Submission:

Labcorp Genetics (formerly Invitae), Labcorp
Classification: Pathogenic for Microcephaly, normal intelligence and immunodeficiency. Last evaluated: 2023-11-06. Review status: criteria provided, single submitter. Criteria: Invitae Variant Classification Sherloc (09022015). Collection method: clinical testing. Allele origin: germline.
Comment: This variant is a gross deletion of the genomic region encompassing exon(s) 8-14 of the NBN gene. While this deletion is not anticipated to lead to nonsense mediated decay, it is expected to disrupt the C-terminus of the protein. This variant has not been reported in the literature in individuals affected with NBN-related conditions. This variant disrupts a region of the NBN protein in which other variant(s) (p.Pro381Glnfs*23) have been determined to be pathogenic (PMID: 10792024; Invitae). This suggests that this is a clinically significant region of the protein, and that variants that disrupt it are likely to be disease-causing. For these reasons, this variant has been classified as Pathogenic.

Literature cited by the submitters: PubMed 10792024.